The following is an entry in ClinVar:

ClinVar aggregate classification (germline): Uncertain significance (1 of 4 stars; one submission).

Conditions:
Arrhythmogenic right ventricular dysplasia 8 (ARVD8). Also called: Arrhythmogenic Right Ventricular Dysplasia/Cardiomyopathy 8; ARRHYTHMOGENIC RIGHT VENTRICULAR DYSPLASIA, FAMILIAL, 8; ARRHYTHMOGENIC RIGHT VENTRICULAR CARDIOMYOPATHY 8. Identifiers: MedGen C1843896, MONDO:0011831, OMIM 607450.
Arrhythmogenic cardiomyopathy with wooly hair and keratoderma. Also called: PALMOPLANTAR KERATODERMA WITH LEFT VENTRICULAR CARDIOMYOPATHY AND WOOLLY HAIR; Carvajal syndrome; Dilated cardiomyopathy with woolly hair and keratoderma; Arrhythmogenic cardiomyopathy with woolly hair and keratoderma. Identifiers: Orphanet 65282, MedGen C1854063, MONDO:0011581, OMIM 605676.

Submission:

Labcorp Genetics (formerly Invitae), Labcorp
Classification: Uncertain significance for Arrhythmogenic cardiomyopathy with wooly hair and keratoderma; Arrhythmogenic right ventricular dysplasia 8. Last evaluated: 2024-09-17. Review status: criteria provided, single submitter. Criteria: Invitae Variant Classification Sherloc (09022015). Collection method: clinical testing. Allele origin: germline.
Comment: This sequence change replaces cysteine, which is neutral and slightly polar, with arginine, which is basic and polar, at codon 768 of the DSP protein (p.Cys768Arg). This variant is not present in population databases (gnomAD no frequency). This variant has not been reported in the literature in individuals affected with DSP-related conditions. An algorithm developed to predict the effect of missense changes on protein structure and function (PolyPhen-2) suggests that this variant is likely to be tolerated. In summary, the available evidence is currently insufficient to determine the role of this variant in disease. Therefore, it has been classified as a Variant of Uncertain Significance.

NM_004415.4(DSP):c.2302T>C (p.Cys768Arg)

Gene: DSP (desmoplakin; plus strand). Cytogenetic location: 6p24.3.
Variant type: single nucleotide variant.
Coding change: c.2302T>C on transcript NM_004415.4 (MANE Select); coding-DNA position 2302, T replaced by C.
Protein change: p.Cys768Arg; replaces cysteine 768 with arginine.
Molecular consequence: missense variant.
Genome position (GRCh38, 1-based): chr6:7,574,661, T>C. VCF-style: chr6-7574661-T-C. GRCh37 (hg19) VCF-style: chr6-7574894-T-C.
Other names: c.2302T>C, p.Cys768Arg (NM_001008844.3, NM_001319034.2); short protein forms C768R.
Identifiers: ClinVar variation 3750567 (VCV003750567.2).